The following is an entry in ClinVar:

NM_015459.5(ATL3):c.22G>A (p.Ala8Thr)

Gene: ATL3 (atlastin GTPase 3; minus strand). Cytogenetic location: 11q13.1.
Variant type: single nucleotide variant.
Coding change: c.22G>A on transcript NM_015459.5 (MANE Select); coding-DNA position 22, G replaced by A.
Protein change: p.Ala8Thr; replaces alanine 8 with threonine.
Molecular consequence: missense variant. On other transcripts: intron variant (1).
Genome position (GRCh38, 1-based): chr11:63,671,314, C>T on the plus strand (G>A on the coding strand, the complement: ATL3 is on the minus strand). VCF-style: chr11-63671314-C-T. GRCh37 (hg19) VCF-style: chr11-63438786-C-T.
Other names: c.-9+322G>A (NM_001290048.2); short protein forms A8T.
Identifiers: ClinVar variation 582603 (VCV000582603.13), dbSNP rs1442772242, ClinGen allele CA381032819.

ClinVar aggregate classification (germline): Uncertain significance. Review status: criteria provided, multiple submitters, no conflicts (2 of 4 stars). 3 submissions from 3 submitters: Uncertain significance (3). Last evaluated 2026-07-24.

Conditions:
ATL3-related disorder. Also called: ATL3-related condition.
Inborn genetic diseases. Identifiers: MedGen C0950123, MeSH D030342.
Neuropathy, hereditary sensory, type 1F. Also called: HSN IF; Hereditary sensory neuropathy type IF. Identifiers: Orphanet 36386, MedGen C3810194, MONDO:0014286, OMIM 615632.

Allele frequency attached by ClinVar (database versions not stated): TOPMed 0.00003; gnomAD 0.00005; gnomAD exomes 0.00008.
gnomAD v4.1: 119 of 1,588,680 alleles (0.0075%); highest among the groups gnomAD compares: Non-Finnish European, 0.0093%; no homozygotes.

Submissions (3):

PreventionGenetics, part of Exact Sciences
Classification: Uncertain significance for ATL3-related condition. Last evaluated: 2026-07-24. Review status: criteria provided, single submitter. Criteria: ACMG Guidelines, 2015. Collection method: clinical testing. Allele origin: germline.
Comment: The ATL3 c.22G>A variant is predicted to result in the amino acid substitution p.Ala8Thr. To our knowledge, this variant has not been reported in the literature. This variant is reported in 0.0018% of alleles in individuals of European (Non-Finnish) descent in gnomAD. At this time, the clinical significance of this variant is uncertain due to the absence of conclusive functional and genetic evidence.

Labcorp Genetics (formerly Invitae), Labcorp
Classification: Uncertain significance for Neuropathy, hereditary sensory, type 1F. Last evaluated: 2025-06-18. Review status: criteria provided, single submitter. Criteria: Invitae Variant Classification Sherloc (09022015). Collection method: clinical testing. Allele origin: germline.
Comment: This sequence change replaces alanine, which is neutral and non-polar, with threonine, which is neutral and polar, at codon 8 of the ATL3 protein (p.Ala8Thr). The frequency data for this variant in the population databases is considered unreliable, as metrics indicate poor data quality at this position in the gnomAD database. This variant has not been reported in the literature in individuals affected with ATL3-related conditions. ClinVar contains an entry for this variant (Variation ID: 582603). An algorithm developed to predict the effect of missense changes on protein structure and function (PolyPhen-2) suggests that this variant is likely to be tolerated. In summary, the available evidence is currently insufficient to determine the role of this variant in disease. Therefore, it has been classified as a Variant of Uncertain Significance.

Ambry Genetics
Classification: Uncertain significance for Inborn genetic diseases. Last evaluated: 2024-12-07. Review status: criteria provided, single submitter. Criteria: Ambry Variant Classification Scheme 2023. Collection method: clinical testing. Allele origin: germline.